The following is an entry in ClinVar:

NM_002516.4(NOVA2):c.1331A>G (p.Lys444Arg)

Gene: NOVA2 (NOVA alternative splicing regulator 2; minus strand). Cytogenetic location: 19q13.32.
Variant type: single nucleotide variant.
Coding change: c.1331A>G on transcript NM_002516.4 (MANE Select); coding-DNA position 1331, A replaced by G.
Protein change: p.Lys444Arg; replaces lysine 444 with arginine.
Molecular consequence: missense variant.
Genome position (GRCh38, 1-based): chr19:45,940,011, T>C on the plus strand (A>G on the coding strand, the complement: NOVA2 is on the minus strand). VCF-style: chr19-45940011-T-C. GRCh37 (hg19) VCF-style: chr19-46443269-T-C.
Other names: short protein forms K444R.
Identifiers: ClinVar variation 4853741 (VCV004853741.1).

ClinVar aggregate classification (germline): Uncertain significance (1 of 4 stars; one submission).

Submission:

Women's Health and Genetics/Laboratory Corporation of America, LabCorp
Classification: Uncertain significance. Last evaluated: 2026-05-21. Review status: criteria provided, single submitter. Criteria: LabCorp Variant Classification Summary - May 2015. Collection method: clinical testing. Allele origin: germline.
Comment: Variant summary: NOVA2 c.1331A>G (p.Lys444Arg) results in a conservative amino acid change in the encoded protein sequence. Algorithms developed to predict the effect of missense changes on protein structure and function are either unavailable or do not agree on the potential impact of this missense change. The variant was absent in 250928 control chromosomes. The available data on variant occurrences in the general population are insufficient to allow any conclusion about variant significance. To our knowledge, no occurrence of c.1331A>G in individuals affected with NOVA2-related conditions and no experimental evidence demonstrating its impact on protein function have been reported. No submitters have cited clinical-significance assessments for this variant to ClinVar. Based on the evidence outlined above, the variant was classified as uncertain significance.